The following is an entry in ClinVar:

ClinVar aggregate classification (germline): Uncertain significance. Review status: criteria provided, multiple submitters, no conflicts (2 of 4 stars). 2 submissions from 2 submitters: Uncertain significance (2). Last evaluated 2025-04-17.

Conditions:
Inborn genetic diseases. Identifiers: MedGen C0950123, MeSH D030342.
Epidermolysis bullosa simplex 5C, with pyloric atresia (EBS5C). Also called: PLEC-Related Epidermolysis Bullosa with Pyloric Atresia; Epidermolysis bullosa simplex with pyloric atresia; PLEC1-Related Epidermolysis Bullosa with Pyloric Atresia. Identifiers: Orphanet 158684, MedGen C2677349, MONDO:0012807, OMIM 612138.
Epidermolysis bullosa simplex with nail dystrophy (EBS5D). Identifiers: MedGen C4225309, MONDO:0014661, OMIM 616487.
Epidermolysis bullosa simplex 5B, with muscular dystrophy (EBS5B). Also called: EPIDERMOLYSIS BULLOSA SIMPLEX AND LIMB-GIRDLE MUSCULAR DYSTROPHY; Epidermolysis bullosa simplex with muscular dystrophy. Identifiers: Orphanet 257, MedGen C2931072, MONDO:0009181, OMIM 226670.
Epidermolysis bullosa simplex, Ogna type (EBS5A). Also called: Pidermolysis bullosa simplex 5A, Ogna type; EPIDERMOLYSIS BULLOSA SIMPLEX 5A, OGNA TYPE. Identifiers: Orphanet 79401, MedGen C0432317, MONDO:0007555, OMIM 131950.
Autosomal recessive limb-girdle muscular dystrophy type 2Q (LGMDR17). Also called: MUSCULAR DYSTROPHY, LIMB-GIRDLE, AUTOSOMAL RECESSIVE 17. Identifiers: Orphanet 254361, MedGen C3150989, MONDO:0013390, OMIM 613723.

Allele frequency attached by ClinVar (database versions not stated): ESP Exome Variant Server 0.00008.
gnomAD v4.1: 3 of 1,613,282 alleles (0.00019%); highest among the groups gnomAD compares: Non-Finnish European, 0.00025%; no homozygotes.

Submissions (2):

Ambry Genetics
Classification: Uncertain significance for Inborn genetic diseases. Last evaluated: 2025-04-17. Review status: criteria provided, single submitter. Criteria: Ambry Variant Classification Scheme 2023. Collection method: clinical testing. Allele origin: germline.

Labcorp Genetics (formerly Invitae), Labcorp
Classification: Uncertain significance for Autosomal recessive limb-girdle muscular dystrophy type 2Q; Epidermolysis bullosa simplex, Ogna type; Epidermolysis bullosa simplex with nail dystrophy; Epidermolysis bullosa simplex 5C, with pyloric atresia; Epidermolysis bullosa simplex 5B, with muscular dystrophy. Last evaluated: 2023-02-09. Review status: criteria provided, single submitter. Criteria: Invitae Variant Classification Sherloc (09022015). Collection method: clinical testing. Allele origin: germline.
Comment: This sequence change replaces phenylalanine, which is neutral and non-polar, with leucine, which is neutral and non-polar, at codon 3301 of the PLEC protein (p.Phe3301Leu). This variant is present in population databases (rs372147543, gnomAD 0.0009%). This variant has not been reported in the literature in individuals affected with PLEC-related conditions. Algorithms developed to predict the effect of missense changes on protein structure and function are either unavailable or do not agree on the potential impact of this missense change (SIFT: "Deleterious"; PolyPhen-2: "Benign"; Align-GVGD: "Class C0"). In summary, the available evidence is currently insufficient to determine the role of this variant in disease. Therefore, it has been classified as a Variant of Uncertain Significance.

NM_201384.3(PLEC):c.9822C>G (p.Phe3274Leu)

Gene: PLEC (plectin; minus strand). Cytogenetic location: 8q24.3.
Variant type: single nucleotide variant.
Coding change: c.9822C>G on transcript NM_201384.3 (MANE Select); coding-DNA position 9822, C replaced by G.
Protein change: p.Phe3274Leu; replaces phenylalanine 3274 with leucine.
Molecular consequence: missense variant.
Genome position (GRCh38, 1-based): chr8:143,919,999, G>C on the plus strand (C>G on the coding strand, the complement: PLEC is on the minus strand). VCF-style: chr8-143919999-G-C. GRCh37 (hg19) VCF-style: chr8-144994167-G-C.
Other names: c.9834C>G, p.Phe3278Leu (NM_201383.3); c.9903C>G, p.Phe3301Leu (NM_000445.5); c.6522C>G, p.Phe2174Leu (NM_001410941.1); c.9780C>G, p.Phe3260Leu (NM_201378.4); c.9756C>G, p.Phe3252Leu (NM_201379.3); c.10233C>G, p.Phe3411Leu (NM_201380.4); c.9726C>G, p.Phe3242Leu (NM_201381.3); c.9822C>G, p.Phe3274Leu (NM_201382.4); and 1 more; short protein forms F3278L, F3301L, F3252L, F2174L, F3242L, F3274L, F3260L, F3411L.
Identifiers: ClinVar variation 2076657 (VCV002076657.5), dbSNP rs372147543, ClinGen allele CA4924846.